The following is an entry in ClinVar:

NM_001256715.2(DNAAF3):c.382G>A (p.Ala128Thr)

Genes: DNAAF3 (dynein axonemal assembly factor 3; minus strand), DNAAF3-AS1 (DNAAF3 antisense RNA 1; plus strand). Cytogenetic location: 19q13.42.
Variant type: single nucleotide variant.
Coding change: c.382G>A on transcript NM_001256715.2 (MANE Select); coding-DNA position 382, G replaced by A.
Protein change: p.Ala128Thr; replaces alanine 128 with threonine.
Molecular consequence: missense variant.
Genome position (GRCh38, 1-based): chr19:55,162,231, C>T on the plus strand (G>A on the coding strand, the complement: DNAAF3 is on the minus strand). VCF-style: chr19-55162231-C-T. GRCh37 (hg19) VCF-style: chr19-55673599-C-T.
Other names: c.586G>A, p.Ala196Thr (NM_001256714.1); c.220G>A, p.Ala74Thr (NM_001256716.2); c.523G>A, p.Ala175Thr (NM_178837.4); short protein forms A196T, A74T, A128T, A175T.
Identifiers: ClinVar variation 651242 (VCV000651242.9), dbSNP rs1599923566, ClinGen allele CA407457991.

ClinVar aggregate classification (germline): Uncertain significance. Review status: criteria provided, multiple submitters, no conflicts (2 of 4 stars). 2 submissions from 2 submitters: Uncertain significance (2). Last evaluated 2024-10-23.

Conditions:
Primary ciliary dyskinesia. Also called: Ciliary dyskinesia. Identifiers: Orphanet 244, MedGen C0008780, MONDO:0016575, HP:0012265.

Submissions (2):

Labcorp Genetics (formerly Invitae), Labcorp
Classification: Uncertain significance for Primary ciliary dyskinesia. Last evaluated: 2024-10-23. Review status: criteria provided, single submitter. Criteria: Invitae Variant Classification Sherloc (09022015). Collection method: clinical testing. Allele origin: germline.
Comment: This sequence change replaces alanine, which is neutral and non-polar, with threonine, which is neutral and polar, at codon 196 of the DNAAF3 protein (p.Ala196Thr). This variant is not present in population databases (gnomAD no frequency). This variant has not been reported in the literature in individuals affected with DNAAF3-related conditions. ClinVar contains an entry for this variant (Variation ID: 651242). Invitae Evidence Modeling of protein sequence and biophysical properties (such as structural, functional, and spatial information, amino acid conservation, physicochemical variation, residue mobility, and thermodynamic stability) indicates that this missense variant is not expected to disrupt DNAAF3 protein function with a negative predictive value of 80%. In summary, the available evidence is currently insufficient to determine the role of this variant in disease. Therefore, it has been classified as a Variant of Uncertain Significance.

Ambry Genetics
Classification: Uncertain significance for Primary ciliary dyskinesia. Last evaluated: 2024-03-31. Review status: criteria provided, single submitter. Criteria: Ambry Variant Classification Scheme 2023. Collection method: clinical testing. Allele origin: germline.